The following is an entry in ClinVar:

ClinVar aggregate classification (germline): Uncertain significance (1 of 4 stars; one submission).

Conditions:
Rhabdoid tumor predisposition syndrome 2 (RTPS2). Identifiers: Orphanet 231108, Orphanet 69077, MedGen C2750074, MONDO:0013224, OMIM 613325.

Submission:

Labcorp Genetics (formerly Invitae), Labcorp
Classification: Uncertain significance for Rhabdoid tumor predisposition syndrome 2. Last evaluated: 2019-12-13. Review status: criteria provided, single submitter. Criteria: Invitae Variant Classification Sherloc (09022015). Collection method: clinical testing. Allele origin: germline.
Comment: In summary, the available evidence is currently insufficient to determine the role of this variant in disease. Therefore, it has been classified as a Variant of Uncertain Significance. Algorithms developed to predict the effect of missense changes on protein structure and function (SIFT, PolyPhen-2, Align-GVGD) all suggest that this variant is likely to be tolerated, but these predictions have not been confirmed by published functional studies and their clinical significance is uncertain. This variant has not been reported in the literature in individuals with SMARCA4-related conditions. This variant is not present in population databases (ExAC no frequency). This sequence change replaces threonine with serine at codon 1418 of the SMARCA4 protein (p.Thr1418Ser). The threonine residue is weakly conserved and there is a small physicochemical difference between threonine and serine.

NM_003072.5(SMARCA4):c.4171-1768A>T

Gene: SMARCA4 (SWI/SNF related BAF chromatin remodeling complex subunit ATPase 4; plus strand). Cytogenetic location: 19p13.2.
Variant type: single nucleotide variant.
Coding change: c.4171-1768A>T on transcript NM_003072.5 (MANE Select); 1768 bases into the intron before coding-DNA position 4171, A replaced by T.
Molecular consequence: intron variant. On other transcripts: missense variant (1).
Genome position (GRCh38, 1-based): chr19:11,039,539, A>T. VCF-style: chr19-11039539-A-T. GRCh37 (hg19) VCF-style: chr19-11150215-A-T.
Other names: c.4252A>T, p.Thr1418Ser (NM_001128849.3); c.4171-1768A>T (NM_001128844.3); c.4072-1768A>T (NM_001128847.4, NM_001374457.1, NM_001128848.2); c.4072-1759A>T (NM_001128845.2, NM_001128846.2); short protein forms T1418S.
Identifiers: ClinVar variation 856124 (VCV000856124.10), dbSNP rs2075457834, ClinGen allele CA404071827.